The following is an entry in ClinVar:

NC_000002.11:g.(?_179557204)_(179600821_?)dup

Gene: TTN (titin; minus strand). Cytogenetic location: 2q31.2.
Variant type: Duplication.
Identifiers: ClinVar variation 2424056 (VCV002424056.2).

ClinVar aggregate classification (germline): Uncertain significance (1 of 4 stars; one submission).

Conditions:
Dilated cardiomyopathy 1G (CMD1G). Identifiers: Orphanet 154, MedGen C1858763, MONDO:0011400, OMIM 604145.
Autosomal recessive limb-girdle muscular dystrophy type 2J (LGMDR10). Also called: MUSCULAR DYSTROPHY, LIMB-GIRDLE, AUTOSOMAL RECESSIVE 10; Limb-girdle muscular dystrophy, type 2J. Identifiers: Orphanet 140922, MedGen C1837342, MONDO:0012127, OMIM 608807.

Submission:

Labcorp Genetics (formerly Invitae), Labcorp
Classification: Uncertain significance for Dilated cardiomyopathy 1G; Autosomal recessive limb-girdle muscular dystrophy type 2J. Last evaluated: 2022-07-12. Review status: criteria provided, single submitter. Criteria: Invitae Variant Classification Sherloc (09022015). Collection method: clinical testing. Allele origin: germline.
Comment: This variant results in a copy number gain of the genomic region encompassing exon(s) 50-120 of the TTN gene. While the exact position of this variant cannot be determined from the data, sub-genic copy number gains are generally in tandem (PMID: 25640679). This variant is predicted to be in-frame, and likely preserves the integrity of the reading frame. This variant has not been reported in the literature in individuals affected with TTN-related conditions. Experimental studies and prediction algorithms are not available or were not evaluated, and the functional significance of this variant is currently unknown. This variant disrupts the I band(s) of TTN (PMID: 25589632). Copy number variants in TTN have been previously reported in individuals affected with neuromuscular disorders (PMID: 29792937, 30238059), but the functional significance of this variant is currently unknown. In summary, the available evidence is currently insufficient to determine the role of this variant in disease. Therefore, it has been classified as a Variant of Uncertain Significance.

Literature cited by the submitters: PubMed 25640679; PubMed 25589632; PubMed 29792937; PubMed 30238059.